The following is an entry in ClinVar:

ClinVar aggregate classification (germline): Uncertain significance (1 of 4 stars; one submission).

Conditions:
Early-infantile DEE. Also called: Early infantile epileptic encephalopathy with suppression bursts; Early infantile epileptic encephalopathy; Ohtahara syndrome. Identifiers: Orphanet 1934, MedGen C0393706, MONDO:0800491.

Submission:

Labcorp Genetics (formerly Invitae), Labcorp
Classification: Uncertain significance for Early-infantile DEE. Last evaluated: 2023-05-25. Review status: criteria provided, single submitter. Criteria: Invitae Variant Classification Sherloc (09022015). Collection method: clinical testing. Allele origin: germline.
Comment: In summary, the available evidence is currently insufficient to determine the role of this variant in disease. Therefore, it has been classified as a Variant of Uncertain Significance. Advanced modeling of protein sequence and biophysical properties (such as structural, functional, and spatial information, amino acid conservation, physicochemical variation, residue mobility, and thermodynamic stability) has been performed at Invitae for this missense variant, however the output from this modeling did not meet the statistical confidence thresholds required to predict the impact of this variant on SPTAN1 protein function. This variant has not been reported in the literature in individuals affected with SPTAN1-related conditions. This variant is not present in population databases (gnomAD no frequency). This sequence change replaces leucine, which is neutral and non-polar, with glutamine, which is neutral and polar, at codon 1818 of the SPTAN1 protein (p.Leu1818Gln).

NM_001130438.3(SPTAN1):c.5453T>A (p.Leu1818Gln)

Gene: SPTAN1 (spectrin alpha, non-erythrocytic 1; plus strand). Cytogenetic location: 9q34.11.
Variant type: single nucleotide variant.
Coding change: c.5453T>A on transcript NM_001130438.3 (MANE Select); coding-DNA position 5453, T replaced by A.
Protein change: p.Leu1818Gln; replaces leucine 1818 with glutamine.
Molecular consequence: missense variant.
Genome position (GRCh38, 1-based): chr9:128,617,735, T>A. VCF-style: chr9-128617735-T-A. GRCh37 (hg19) VCF-style: chr9-131380014-T-A.
Other names: c.5378T>A, p.Leu1793Gln (NM_001195532.2); c.5453T>A, p.Leu1818Gln (NM_001363759.2, NM_001375310.1, NM_001375311.2 and 1 more transcripts); c.5393T>A, p.Leu1798Gln (NM_001363765.2, NM_001375314.2); c.5489T>A, p.Leu1830Gln (NM_001375312.2, NM_001375318.1); c.5438T>A, p.Leu1813Gln (NM_003127.4); short protein forms L1813Q, L1830Q, L1798Q, L1793Q, L1818Q.
Identifiers: ClinVar variation 2717756 (VCV002717756.3), dbSNP rs2541940765, ClinGen allele CA375076485.
Genomic context (GRCh38, chr9:128,617,735, plus strand): 5'-GCCGGGACCTAACCGGCGTGCAGAACCTGAGGAAGAAGCACAAGCGGCTGGAAGCAGAAC[T>A]GGCTGCGCATGAGCCGGCTATTCAGGTAAGGAGGCCGCCTTCTGGCCAAGAGGGCAGAGG-3'
Protein context (NP_001123910.1, residues 1808-1828): RKKHKRLEAE[Leu1818Gln]AAHEPAIQGV